The following is an entry in ClinVar:

ClinVar aggregate classification (germline): Uncertain significance (1 of 4 stars; one submission).

gnomAD v4.1: 2 of 1,600,550 alleles (0.00012%); highest among the groups gnomAD compares: Admixed American, 0.0033%; no homozygotes.

Submission:

Labcorp Genetics (formerly Invitae), Labcorp
Classification: Uncertain significance. Last evaluated: 2024-03-30. Review status: criteria provided, single submitter. Criteria: Invitae Variant Classification Sherloc (09022015). Collection method: clinical testing. Allele origin: germline.
Comment: This sequence change replaces lysine, which is basic and polar, with arginine, which is basic and polar, at codon 757 of the TECTA protein (p.Lys757Arg). This variant is present in population databases (no rsID available, gnomAD 0.006%). This variant has not been reported in the literature in individuals affected with TECTA-related conditions. Advanced modeling of protein sequence and biophysical properties (such as structural, functional, and spatial information, amino acid conservation, physicochemical variation, residue mobility, and thermodynamic stability) performed at Invitae indicates that this missense variant is not expected to disrupt TECTA protein function with a negative predictive value of 95%. In summary, the available evidence is currently insufficient to determine the role of this variant in disease. Therefore, it has been classified as a Variant of Uncertain Significance.

NM_005422.4(TECTA):c.2270A>G (p.Lys757Arg)

Genes: TBCEL-TECTA (TBCEL-TECTA readthrough; plus strand), TECTA (tectorin alpha; plus strand). Cytogenetic location: 11q23.3.
Variant type: single nucleotide variant.
Coding change: c.2270A>G on transcript NM_005422.4 (MANE Select); coding-DNA position 2270, A replaced by G.
Protein change: p.Lys757Arg; replaces lysine 757 with arginine.
Molecular consequence: missense variant.
Genome position (GRCh38, 1-based): chr11:121,128,247, A>G. VCF-style: chr11-121128247-A-G. GRCh37 (hg19) VCF-style: chr11-120998956-A-G.
Other names: c.3227A>G, p.Lys1076Arg (NM_001378761.1); short protein forms K1076R, K757R.
Identifiers: ClinVar variation 3631250 (VCV003631250.2).